The following is an entry in ClinVar:

ClinVar aggregate classification (germline): Uncertain significance (1 of 4 stars; one submission).

Conditions:
Epilepsy. Also called: Seizure disorder. Identifiers: MedGen C0014544, MeSH D004827, MONDO:0005027.

gnomAD v4.1: 1 of 1,607,138 alleles (0.000062%); highest among the groups gnomAD compares: African/African-American, 0.0013%; no homozygotes.

Submission:

Clinical Genomics Laboratory, Washington University in St. Louis
Classification: Uncertain significance for epilepsy. Last evaluated: 2025-04-23. Review status: criteria provided, single submitter. Criteria: ACMG Guidelines, 2015. Collection method: clinical testing. Allele origin: germline.
Comment: The SOX1 c.286G>C (p.Glu96Gln) variant, to our knowledge, has not been reported in the medical literature and is only observed on 1/1,607,138 alleles in the general population (gnomAD v.4.1.0), indicating it is not a common variant. This variant is in the highly conserved HMG domain which is a region enriched for pathogenic variation in the SOX family of transcription factors (Angelozzi M, Lefebvre V. PMID: 31288943). Additionally, computational predictors indicate that the variant is damaging, evidence that correlates with impact to SOX1 function. Due to limited information, the clinical significance of this variant is uncertain.

NM_005986.3(SOX1):c.286G>C (p.Glu96Gln)

Genes: SOX1 (SRY-box transcription factor 1; plus strand), SOX1-OT (SOX1 overlapping transcript; plus strand). Cytogenetic location: 13q34.
Variant type: single nucleotide variant.
Coding change: c.286G>C on transcript NM_005986.3 (MANE Select); coding-DNA position 286, G replaced by C.
Protein change: p.Glu96Gln; replaces glutamic acid 96 with glutamine.
Molecular consequence: missense variant.
Genome position (GRCh38, 1-based): chr13:112,067,944, G>C. VCF-style: chr13-112067944-G-C. GRCh37 (hg19) VCF-style: chr13-112722258-G-C.
Other names: short protein forms E96Q.
Identifiers: ClinVar variation 4279758 (VCV004279758.1).
Genomic context (GRCh38, chr13:112,067,944, plus strand): 5'-ATGCACAACTCGGAGATCAGCAAGCGCCTGGGGGCCGAGTGGAAGGTCATGTCCGAGGCC[G>C]AGAAGCGGCCGTTCATCGACGAGGCCAAGCGGCTGCGCGCGCTGCACATGAAGGAGCACC-3'
Protein context (NP_005977.2, residues 86-106): GAEWKVMSEA[Glu96Gln]KRPFIDEAKR